The following is an entry in ClinVar:

NM_001080414.4(CCDC88C):c.3196-1G>A

Gene: CCDC88C (coiled-coil and HOOK domain protein 88C; minus strand). Cytogenetic location: 14q32.11.
Variant type: single nucleotide variant.
Coding change: c.3196-1G>A on transcript NM_001080414.4 (MANE Select); the canonical splice acceptor site of the intron before coding-DNA position 3196, G replaced by A.
Molecular consequence: splice acceptor variant.
Genome position (GRCh38, 1-based): chr14:91,305,927, C>T on the plus strand (G>A on the coding strand, the complement: CCDC88C is on the minus strand). VCF-style: chr14-91305927-C-T. GRCh37 (hg19) VCF-style: chr14-91772271-C-T.
Identifiers: ClinVar variation 2750333 (VCV002750333.3), dbSNP rs2544361669, ClinGen allele CA390623770.

ClinVar aggregate classification (germline): Likely pathogenic (1 of 4 stars; one submission).

Submission:

Labcorp Genetics (formerly Invitae), Labcorp
Classification: Likely pathogenic. Last evaluated: 2023-05-30. Review status: criteria provided, single submitter. Criteria: Invitae Variant Classification Sherloc (09022015). Collection method: clinical testing. Allele origin: germline.
Comment: Algorithms developed to predict the effect of sequence changes on RNA splicing suggest that this variant may disrupt the consensus splice site. In summary, the currently available evidence indicates that the variant is pathogenic, but additional data are needed to prove that conclusively. Therefore, this variant has been classified as Likely Pathogenic. This variant has not been reported in the literature in individuals affected with CCDC88C-related conditions. This variant is not present in population databases (gnomAD no frequency). This sequence change affects an acceptor splice site in intron 18 of the CCDC88C gene. It is expected to disrupt RNA splicing. Variants that disrupt the donor or acceptor splice site typically lead to a loss of protein function (PMID: 16199547), and loss-of-function variants in CCDC88C are known to be pathogenic (PMID: 23042809, 29225145).

Literature cited by the submitters: PubMed 16199547; PubMed 23042809; PubMed 29225145.